The following is an entry in ClinVar:

NM_014000.3(VCL):c.1403C>T (p.Thr468Met)

Gene: VCL (vinculin; plus strand). Cytogenetic location: 10q22.2.
Variant type: single nucleotide variant.
Coding change: c.1403C>T on transcript NM_014000.3 (MANE Select); coding-DNA position 1403, C replaced by T.
Protein change: p.Thr468Met; replaces threonine 468 with methionine.
Molecular consequence: missense variant.
Genome position (GRCh38, 1-based): chr10:74,094,321, C>T. VCF-style: chr10-74094321-C-T. GRCh37 (hg19) VCF-style: chr10-75854079-C-T.
Other names: p.T468M:ACG>ATG; c.1403C>T, p.Thr468Met (NM_003373.4); short protein forms T468M.
Identifiers: ClinVar variation 202159 (VCV000202159.22), dbSNP rs147957747, ClinGen allele CA335631.

ClinVar aggregate classification (germline): Conflicting classifications of pathogenicity. Review status: criteria provided, conflicting classifications (1 of 4 stars). 7 submissions from 7 submitters: Uncertain significance (4); Likely benign (1). 2 of the submissions do not count toward it. Last evaluated 2026-07-06.

Conditions:
VCL-related disorder. Also called: VCL-related condition.
Cardiovascular phenotype. Identifiers: MedGen CN230736.
Dilated cardiomyopathy 1W (CMD1W). Identifiers: Orphanet 154, MedGen C1969639, MONDO:0012667, OMIM 611407.

Allele frequency attached by ClinVar (database versions not stated): gnomAD exomes 0.00002 and 0.00005; ExAC 0.00008; gnomAD 0.00013 and 0.00014; TOPMed 0.00013; 1000 Genomes Project 0.00020; 1000 Genomes Project 30x 0.00031; ESP Exome Variant Server 0.00038.
gnomAD v4.1: 57 of 1,614,122 alleles (0.0035%); highest among the groups gnomAD compares: African/African-American, 0.039%; no homozygotes.

Submissions (7):

PreventionGenetics, part of Exact Sciences
Classification: Uncertain significance for VCL-related condition. Last evaluated: 2026-07-06. Review status: criteria provided, single submitter. Criteria: ACMG Guidelines, 2015. Collection method: clinical testing. Allele origin: germline.
Comment: The VCL c.1403C>T variant is predicted to result in the amino acid substitution p.Thr468Met. To our knowledge, this variant has not been reported in the literature. This variant is reported in 0.036% of alleles in individuals of African descent in gnomAD. Although we suspect that this variant may be benign, at this time, the clinical significance of this variant is uncertain due to the absence of conclusive functional and genetic evidence.

Ambry Genetics
Classification: Uncertain significance for Cardiovascular phenotype. Last evaluated: 2026-01-13. Review status: criteria provided, single submitter. Criteria: Ambry Variant Classification Scheme 2023. Collection method: clinical testing. Allele origin: germline.
Comment: The p.T468M variant (also known as c.1403C>T), located in coding exon 11 of the VCL gene, results from a C to T substitution at nucleotide position 1403. The threonine at codon 468 is replaced by methionine, an amino acid with similar properties. This amino acid position is highly conserved in available vertebrate species. In addition, the in silico prediction for this alteration is inconclusive. Based on the available evidence, the clinical significance of this variant remains unclear.

Labcorp Genetics (formerly Invitae), Labcorp
Classification: Uncertain significance for Dilated cardiomyopathy 1W. Last evaluated: 2025-11-28. Review status: criteria provided, single submitter. Criteria: Invitae Variant Classification Sherloc (09022015). Collection method: clinical testing. Allele origin: germline.
Comment: This sequence change replaces threonine, which is neutral and polar, with methionine, which is neutral and non-polar, at codon 468 of the VCL protein (p.Thr468Met). This variant is present in population databases (rs147957747, gnomAD 0.04%), and has an allele count higher than expected for a pathogenic variant. This variant has not been reported in the literature in individuals affected with VCL-related conditions. ClinVar contains an entry for this variant (Variation ID: 202159). An algorithm developed to predict the effect of missense changes on protein structure and function (PolyPhen-2) suggests that this variant is likely to be disruptive. In summary, the available evidence is currently insufficient to determine the role of this variant in disease. Therefore, it has been classified as a Variant of Uncertain Significance.

GeneDx
Classification: Uncertain significance. Last evaluated: 2025-10-06. Review status: criteria provided, single submitter. Criteria: GeneDx Variant Classification Process June 2021. Collection method: clinical testing. Allele origin: germline. Affected: yes.
Comment: Has not been previously published as pathogenic or benign to our knowledge; In silico analysis suggests that this missense variant does not alter protein structure/function

Women's Health and Genetics/Laboratory Corporation of America, LabCorp
Classification: Likely benign. Last evaluated: 2021-01-14. Review status: criteria provided, single submitter. Criteria: LabCorp Variant Classification Summary - May 2015. Collection method: clinical testing. Allele origin: germline.
Comment: Variant summary: VCL c.1403C>T (p.Thr468Met) results in a non-conservative amino acid change in the encoded protein sequence. Three of five in-silico tools predict a damaging effect of the variant on protein function. The variant allele was found at a frequency of 5.2e-05 in 251322 control chromosomes. The observed variant frequency is approximately 2 fold of the estimated maximal expected allele frequency for a pathogenic variant in VCL causing Cardiomyopathy phenotype (2.5e-05), strongly suggesting that the variant is benign. To our knowledge, no occurrence of c.1403C>T in individuals affected with Cardiomyopathy and no experimental evidence demonstrating its impact on protein function have been reported. Two clinical diagnostic laboratories have submitted clinical-significance assessments for this variant to ClinVar after 2014 without evidence for independent evaluation. Both laboratories classified the variant as uncertain significance. Based on the evidence outlined above, the variant was classified as likely benign.

Clinical Genetics DNA and cytogenetics Diagnostics Lab, Erasmus MC, Erasmus Medical Center
Classification: Uncertain significance. Review status: no assertion criteria provided. Collection method: clinical testing. Allele origin: germline. Affected: yes. Study: VKGL Data-share Consensus. Not counted in ClinVar's aggregate classification.

Clinical Genetics, Academic Medical Center
Classification: Uncertain significance. Review status: no assertion criteria provided. Collection method: clinical testing. Allele origin: germline. Affected: yes. Study: VKGL Data-share Consensus. Not counted in ClinVar's aggregate classification.